The following is an entry in ClinVar:

ClinVar aggregate classification (germline): Uncertain significance. Review status: criteria provided, multiple submitters, no conflicts (2 of 4 stars). 2 submissions from 2 submitters: Uncertain significance (2). Last evaluated 2024-12-22.

Conditions:
Multiple acyl-CoA dehydrogenase deficiency (MADD). Also called: Glutaric acidemia type II; GA 2; ETHYLMALONIC-ADIPICACIDURIA; GA II; Glutaric Acidemia type 2; Glutaric aciduria, type 2. Identifiers: Orphanet 26791, MedGen C0268596, MONDO:0009282, OMIM 231680.
ETFA-related disorder. Also called: ETFA-related condition.

gnomAD v4.1: 10 of 1,591,132 alleles (0.00063%); highest among the groups gnomAD compares: Non-Finnish European, 0.000086%; no homozygotes.

Submissions (2):

PreventionGenetics, part of Exact Sciences
Classification: Uncertain significance for ETFA-related condition. Last evaluated: 2024-12-22. Review status: criteria provided, single submitter. Criteria: ACMG Guidelines, 2015. Collection method: clinical testing. Allele origin: germline.
Comment: The ETFA c.980C>A variant is predicted to result in the amino acid substitution p.Thr327Asn. To our knowledge, this variant has not been reported in the literature or in a large population database (gnomAD), indicating this variant is rare. At this time, the clinical significance of this variant is uncertain due to the absence of conclusive functional and genetic evidence.

Labcorp Genetics (formerly Invitae), Labcorp
Classification: Uncertain significance for Multiple acyl-CoA dehydrogenase deficiency. Last evaluated: 2022-07-23. Review status: criteria provided, single submitter. Criteria: Invitae Variant Classification Sherloc (09022015). Collection method: clinical testing. Allele origin: germline.
Comment: This sequence change replaces threonine, which is neutral and polar, with asparagine, which is neutral and polar, at codon 327 of the ETFA protein (p.Thr327Asn). This variant is not present in population databases (gnomAD no frequency). This variant has not been reported in the literature in individuals affected with ETFA-related conditions. Algorithms developed to predict the effect of missense changes on protein structure and function are either unavailable or do not agree on the potential impact of this missense change (SIFT: "Deleterious"; PolyPhen-2: "Benign"; Align-GVGD: "Class C55"). In summary, the available evidence is currently insufficient to determine the role of this variant in disease. Therefore, it has been classified as a Variant of Uncertain Significance.

NM_000126.4(ETFA):c.980C>A (p.Thr327Asn)

Gene: ETFA (electron transfer flavoprotein subunit alpha; minus strand). Cytogenetic location: 15q24.2.
Variant type: single nucleotide variant.
Coding change: c.980C>A on transcript NM_000126.4 (MANE Select); coding-DNA position 980, C replaced by A.
Protein change: p.Thr327Asn; replaces threonine 327 with asparagine.
Molecular consequence: missense variant.
Genome position (GRCh38, 1-based): chr15:76,216,581, G>T on the plus strand (C>A on the coding strand, the complement: ETFA is on the minus strand). VCF-style: chr15-76216581-G-T. GRCh37 (hg19) VCF-style: chr15-76508922-G-T.
Other names: c.833C>A, p.Thr278Asn (NM_001127716.2); c.980C>A (NM_000126.3); short protein forms T327N, T278N.
Identifiers: ClinVar variation 2084138 (VCV002084138.2), dbSNP rs908636035, ClinGen allele CA273679946.